The following is an entry in ClinVar:

ClinVar aggregate classification (germline): Uncertain significance (1 of 4 stars; one submission).

Conditions:
Inborn genetic diseases. Identifiers: MedGen C0950123, MeSH D030342.

gnomAD v4.1: 6 of 1,406,812 alleles (0.00043%); highest among the groups gnomAD compares: South Asian, 0.0015%; no homozygotes.

Submission:

Ambry Genetics
Classification: Uncertain significance for Inborn genetic diseases. Last evaluated: 2025-09-04. Review status: criteria provided, single submitter. Criteria: Ambry Variant Classification Scheme 2023. Collection method: clinical testing. Allele origin: germline.
Comment: The p.R231L variant (also known as c.692G>T), located in coding exon 1 of the SMAD6 gene, results from a G to T substitution at nucleotide position 692. The arginine at codon 231 is replaced by leucine, an amino acid with dissimilar properties. This amino acid position is conserved. In addition, the in silico prediction for this alteration is inconclusive. Based on the available evidence, the clinical significance of this variant remains unclear.

NM_005585.5(SMAD6):c.692G>T (p.Arg231Leu)

Gene: SMAD6 (SMAD family member 6; plus strand). Cytogenetic location: 15q22.31.
Variant type: single nucleotide variant.
Coding change: c.692G>T on transcript NM_005585.5 (MANE Select); coding-DNA position 692, G replaced by T.
Protein change: p.Arg231Leu; replaces arginine 231 with leucine.
Molecular consequence: missense variant. On other transcripts: non-coding transcript variant (1).
Genome position (GRCh38, 1-based): chr15:66,703,950, G>T. VCF-style: chr15-66703950-G-T. GRCh37 (hg19) VCF-style: chr15-66996288-G-T.
Other names: short protein forms R231L.
Identifiers: ClinVar variation 4170063 (VCV004170063.1).
Genomic context (GRCh38, chr15:66,703,950, plus strand): 5'-CCGACCTCCGCCTGGGCGGCCAGCCCGCGCCGCCGCAGCTGCTGCTCGGCCGCCTCTTTC[G>T]CTGGCCCGACCTGCAGCACGCCGTGGAGCTGAAGCCCCTGTGCGGCTGCCACAGCTTCGC-3'
Protein context (NP_005576.3, residues 221-241): PPQLLLGRLF[Arg231Leu]WPDLQHAVEL